The following is an entry in ClinVar:

ClinVar aggregate classification (germline): Pathogenic (1 of 4 stars; one submission).

Conditions:
Deafness-lymphedema-leukemia syndrome. Also called: Emberger syndrome; Lymphedema, primary, with myelodysplasia. Identifiers: Orphanet 3226, MedGen C3279664, MONDO:0013540, OMIM 614038.
GATA2 deficiency with susceptibility to MDS/AML. Identifiers: MedGen CN300066, MONDO:0042982.

Submission:

Molecular Pathology Research Laboratory, SA Pathology
Classification: Pathogenic for GATA2 deficiency with susceptibility to MDS/AML; Deafness-lymphedema-leukemia syndrome. Last evaluated: 2021-07-06. Review status: criteria provided, single submitter. Criteria: ACMG Guidelines, 2015. Collection method: curation. Allele origin: unknown. Inheritance: Autosomal dominant inheritance. Affected: yes. Observed: 1 variant allele.
Comment: PVS1, PS4_Supporting, PM2

Literature cited by the submitters: PubMed 31340620.

NM_032638.5(GATA2):c.17_18del (p.Glu6fs)

Gene: GATA2 (GATA binding protein 2; minus strand). Cytogenetic location: 3q21.3.
Variant type: Deletion.
Coding change: c.17_18del on transcript NM_032638.5 (MANE Select); coding-DNA positions 17 to 18, 2 bases deleted (AG; older notation c.17_18delAG).
Protein change: p.Glu6fs; shifts the reading frame from glutamic acid 6.
Molecular consequence: frameshift variant.
Genome position (GRCh38, 1-based): chr3:128,487,014-128,487,015, CT deleted on the plus strand (AG on the coding strand, the reverse complement: GATA2 is on the minus strand); deleting any 2 consecutive bases within chr3:128,487,014-128,487,016 gives the same sequence; the c. name uses the placement nearest the transcript's 3' end. VCF-style (leftmost placement, unchanged base first): chr3-128487013-GCT-G. GRCh37 (hg19) VCF-style: chr3-128205856-GCT-G.
Other names: c.17_18del, p.Glu6fs (NM_001145661.2, NM_001145662.1); short protein forms E6fs.
Identifiers: ClinVar variation 1184142 (VCV001184142.1), dbSNP rs2107673777, ClinGen allele CA1139532773.